The following is an entry in ClinVar:

ClinVar aggregate classification (germline): Conflicting classifications of pathogenicity. Review status: criteria provided, conflicting classifications (1 of 4 stars). 2 submissions from 2 submitters: Uncertain significance (1); Likely benign (1). Last evaluated 2025-03-27.

Allele frequency attached by ClinVar (database versions not stated): gnomAD 0.00002 and 0.00003; TOPMed 0.00003; 1000 Genomes Project 30x 0.00016; 1000 Genomes Project 0.00020.
gnomAD v4.1: 99 of 1,614,220 alleles (0.0061%); highest among the groups gnomAD compares: Non-Finnish European, 0.0081%; no homozygotes.

Submissions (2):

Labcorp Genetics (formerly Invitae), Labcorp
Classification: Uncertain significance. Last evaluated: 2025-03-27. Review status: criteria provided, single submitter. Criteria: Invitae Variant Classification Sherloc (09022015). Collection method: clinical testing. Allele origin: germline.
Comment: This sequence change replaces histidine, which is basic and polar, with arginine, which is basic and polar, at codon 658 of the RINT1 protein (p.His658Arg). This variant is present in population databases (rs200970042, gnomAD 0.007%). This missense change has been observed in individual(s) with breast and/or ovarian cancer (PMID: 27544226). ClinVar contains an entry for this variant (Variation ID: 955874). An algorithm developed to predict the effect of missense changes on protein structure and function outputs the following: PolyPhen-2: "Benign". The arginine amino acid residue is found in multiple mammalian species, which suggests that this missense change does not adversely affect protein function. In summary, the available evidence is currently insufficient to determine the role of this variant in disease. Therefore, it has been classified as a Variant of Uncertain Significance.

Ambry Genetics
Classification: Likely benign. Last evaluated: 2020-10-08. Review status: criteria provided, single submitter. Criteria: Ambry Variant Classification Scheme 2023. Collection method: clinical testing. Allele origin: germline.

Literature cited by the submitters: PubMed 27544226 (cited by Labcorp Genetics (formerly Invitae), Labcorp).

NM_021930.6(RINT1):c.1973A>G (p.His658Arg)

Genes: EFCAB10 (EF-hand calcium binding domain 10; minus strand), RINT1 (RAD50 interactor 1; plus strand). Cytogenetic location: 7q22.3.
Variant type: single nucleotide variant.
Coding change: c.1973A>G on transcript NM_021930.6 (MANE Select); coding-DNA position 1973, A replaced by G.
Protein change: p.His658Arg; replaces histidine 658 with arginine.
Molecular consequence: missense variant. On other transcripts: non-coding transcript variant (1), 3 prime UTR variant (3).
Genome position (GRCh38, 1-based): chr7:105,565,363, A>G. VCF-style: chr7-105565363-A-G. GRCh37 (hg19) VCF-style: chr7-105205810-A-G.
Other names: c.1739A>G, p.His580Arg (NM_001346599.2); c.950A>G, p.His317Arg (NM_001346600.2, NM_001346603.2); c.1049A>G, p.His350Arg (NM_001346601.2); c.*84T>C (NM_001355526.2); c.*186T>C (NM_001355530.2); c.*39T>C (NM_001355531.2); short protein forms H317R, H580R, H350R, H658R.
Identifiers: ClinVar variation 955874 (VCV000955874.10), dbSNP rs200970042, ClinGen allele CA4426829.